The following is an entry in ClinVar:

NR_003137.3(RNU4-2):n.18_19insA

Genes: RNU4-2 (RNA, U4 small nuclear 2; minus strand), SIRT4 (sirtuin 4; plus strand). Cytogenetic location: 12q24.23.
Variant type: Insertion.
Molecular consequence: non-coding transcript variant (on NR_003137.3).
Genome position: GRCh38 VCF-style: chr12-120291885-A-AT. GRCh37 (hg19) VCF-style: chr12-120729688-A-AT.
Other names: NC_000012.12:g.120291885_120291886insT.
Identifiers: ClinVar variation 4282506 (VCV004282506.2).

ClinVar aggregate classification (germline): Pathogenic. Review status: criteria provided, multiple submitters, no conflicts (2 of 4 stars). 2 submissions from 2 submitters: Pathogenic (2). Last evaluated 2026-06-09.

Conditions:
Retinal disorder. Also called: Retinopathy; Retinopathies; Retinal Diseases; Retinal disorders. Identifiers: MedGen C0035309, MONDO:0005283, HP:0000488.
Retinitis pigmentosa (RP). Identifiers: Orphanet 791, MedGen C0035334, MeSH D012174, MONDO:0019200, OMIM 268000. Inheritance: Autosomal dominant, autosomal recessive and X linked inheritance.

Submissions (2):

Genetics Laboratory, Great Ormond Street Hospital NHS Foundation Trust, North Thames Genomic Laboratory Hub
Classification: Pathogenic for Retinal disorders. Last evaluated: 2026-06-09. Review status: criteria provided, single submitter. Criteria: ACGS Best Practice Guidelines for Variant Classification in Rare Disease 2024 v1.2. Collection method: clinical testing. Allele origin: germline. Affected: yes.
Comment: PS4_moderate, PM2_moderate, PM1_moderate, PP1_strong, PM6_supporting

Ophthalmic Genetics Group, Institute of Molecular and Clinical Ophthalmology Basel
Classification: Pathogenic for Retinitis pigmentosa. Last evaluated: 2025-10-01. Review status: criteria provided, single submitter. Criteria: ACMG Guidelines, 2015. Collection method: research. Allele origin: germline. Affected: yes. Observed: 24 variant alleles.
Comment: The NR_003137.2:n.18_19insA variant is a single base-pair insertion in RNU4-2. It was found in 5 unrelated probands with retinitis pigmentosa among ~5,000 cases tested. It is absent from gnomAD (v4.1.0) and present only once in AllofUs. It was therefore significantly enriched (Fisher's exact test) in cases vs controls and we applied PS4 criteria. PM2_sup was not applied to avoid counting evidence already used for PS4 criteria. It also was present in 18 affected family members and therefore PP1_strong was applied. It was also shown to affect a conserved region and to have an effect on the U4/U6 duplex modeled in 2D. In summary, using ACMG criteria and more specifically ClinGen recommendations, this variant was classified as pathogenic with PS4 and PP1_strong criteria.